The following is an entry in ClinVar:

NM_052989.3(IFT122):c.1199G>A (p.Arg400Gln)

Gene: IFT122 (intraflagellar transport 122; plus strand). Cytogenetic location: 3q21.3.
Variant type: single nucleotide variant.
Coding change: c.1199G>A on transcript NM_052989.3 (MANE Select); coding-DNA position 1199, G replaced by A.
Protein change: p.Arg400Gln; replaces arginine 400 with glutamine.
Molecular consequence: missense variant.
Genome position (GRCh38, 1-based): chr3:129,478,067, G>A. VCF-style: chr3-129478067-G-A. GRCh37 (hg19) VCF-style: chr3-129196910-G-A.
Other names: c.1175G>A, p.Arg392Gln (NM_001280541.2); c.749G>A, p.Arg250Gln (NM_001280545.2); c.572G>A, p.Arg191Gln (NM_001280546.2); c.1022G>A, p.Arg341Gln (NM_018262.4); c.1352G>A, p.Arg451Gln (NM_052985.4); c.866G>A, p.Arg289Gln (NM_052990.3); short protein forms R341Q, R250Q, R289Q, R400Q, R451Q, R191Q, R392Q.
Identifiers: ClinVar variation 1436825 (VCV001436825.9), dbSNP rs1405512091, ClinGen allele CA354474004.

ClinVar aggregate classification (germline): Uncertain significance. Review status: criteria provided, multiple submitters, no conflicts (2 of 4 stars). 2 submissions from 2 submitters: Uncertain significance (2). Last evaluated 2023-12-29.

Conditions:
Cranioectodermal dysplasia 1 (CED1). Also called: LEVIN SYNDROME I. Identifiers: Orphanet 1515, MedGen C0432235, MONDO:0021093, OMIM 218330.

Allele frequency attached by ClinVar (database versions not stated): gnomAD exomes below 0.00001 and 0.00001.
gnomAD v4.1: 14 of 1,614,136 alleles (0.00087%); highest among the groups gnomAD compares: Admixed American, 0.0017%; no homozygotes.

Submissions (2):

Fulgent Genetics
Classification: Uncertain significance for Cranioectodermal dysplasia 1. Last evaluated: 2023-12-29. Review status: criteria provided, single submitter. Criteria: ACMG Guidelines, 2015. Collection method: clinical testing. Allele origin: germline.

Labcorp Genetics (formerly Invitae), Labcorp
Classification: Uncertain significance for Cranioectodermal dysplasia 1. Last evaluated: 2022-02-22. Review status: criteria provided, single submitter. Criteria: Invitae Variant Classification Sherloc (09022015). Collection method: clinical testing. Allele origin: germline.
Comment: In summary, the available evidence is currently insufficient to determine the role of this variant in disease. Therefore, it has been classified as a Variant of Uncertain Significance. Algorithms developed to predict the effect of missense changes on protein structure and function are either unavailable or do not agree on the potential impact of this missense change (SIFT: "Deleterious"; PolyPhen-2: "Probably Damaging"; Align-GVGD: "Class C0"). This variant has not been reported in the literature in individuals affected with IFT122-related conditions. This variant is present in population databases (no rsID available, gnomAD 0.003%). This sequence change replaces arginine, which is basic and polar, with glutamine, which is neutral and polar, at codon 451 of the IFT122 protein (p.Arg451Gln).